The following is an entry in ClinVar:

ClinVar aggregate classification (germline): Uncertain significance (1 of 4 stars; one submission).

Submission:

Labcorp Genetics (formerly Invitae), Labcorp
Classification: Uncertain significance. Last evaluated: 2024-04-04. Review status: criteria provided, single submitter. Criteria: Invitae Variant Classification Sherloc (09022015). Collection method: clinical testing. Allele origin: germline.
Comment: This sequence change creates a premature translational stop signal (p.Gly15Alafs*21) in the RELB gene. It is expected to result in an absent or disrupted protein product. However, the current clinical and genetic evidence is not sufficient to establish whether loss-of-function variants in RELB cause disease. This variant is present in population databases (no rsID available, gnomAD 0.03%). This variant has not been reported in the literature in individuals affected with RELB-related conditions. In summary, the available evidence is currently insufficient to determine the role of this variant in disease. Therefore, it has been classified as a Variant of Uncertain Significance.

NM_006509.4(RELB):c.44del (p.Gly15fs)

Genes: RELB (RELB proto-oncogene, NF-kB subunit; plus strand), LOC130064661 (ATAC-STARR-seq lymphoblastoid silent region 10746; plus strand). Cytogenetic location: 19q13.32.
Variant type: Deletion.
Coding change: c.44del on transcript NM_006509.4 (MANE Select); coding-DNA position 44, one base deleted (G; older notation c.44delG).
Protein change: p.Gly15fs; shifts the reading frame from glycine 15.
Molecular consequence: frameshift variant.
Genome position (GRCh38, 1-based): chr19:45,001,623, G deleted; the last of 2 consecutive G bases (chr19:45,001,622-45,001,623); deleting either gives the same sequence. VCF-style (leftmost placement, unchanged base first): chr19-45001621-TG-T. GRCh37 (hg19) VCF-style: chr19-45504879-TG-T.
Other names: c.44del, p.Gly15fs (NM_001411087.1); short protein forms G15fs.
Identifiers: ClinVar variation 3612501 (VCV003612501.2).